The following is an entry in ClinVar:

ClinVar aggregate classification (germline): Conflicting classifications of pathogenicity. Review status: criteria provided, conflicting classifications (1 of 4 stars). 2 submissions from 2 submitters: Likely pathogenic (1); Uncertain significance (1). Last evaluated 2025-07-07.

Conditions:
Congenital disorder of deglycosylation 1. Also called: NGLY1-Related Congenital Disorder of Deglycosylation; NGLY1-deficiency. Identifiers: Orphanet 404454, MedGen CN306977, MONDO:0800044, OMIM 615273.

Submissions (2):

Dasa
Classification: Likely pathogenic for Congenital disorder of deglycosylation 1. Last evaluated: 2025-07-07. Review status: criteria provided, single submitter. Criteria: DASA Assertion Criteria. Collection method: clinical testing. Allele origin: germline.
Comment: NM_018297.4(NGLY1):c.1168C>G (p.Arg390Gly) is a missense variant that results in the substitution of arginine with glycine. The affected residue or protein region has prior evidence supporting clinical relevance. This variant has been recurrently observed in individuals with NGLY1-related disorders (PMID: 33497766; PMID: 27388694; PMID: 35565658). Also, this variant is absent from population databases. Computational evidence supports a deleterious effect. Based on the currently available evidence, this variant is classified as likely pathogenic.

3billion
Classification: Uncertain significance for Congenital disorder of deglycosylation 1. Last evaluated: 2022-09-01. Review status: criteria provided, single submitter. Criteria: ACMG Guidelines, 2015. Collection method: clinical testing. Allele origin: germline. Affected: yes. Observed: 1 heterozygote.
Comment: The variant is not observed in the gnomAD v2.1.1 dataset. In silico tool predictions suggest damaging effect of the variant on gene or gene product (REVEL: 0.66; 3Cnet: 0.88). Different missense changes at the same codon (p.Arg390Gln, p.Arg390Pro) have been reported to be associated with NGLY1-related disorder (ClinVar ID: VCV000221580 , VCV000827607 / PMID: 27388694). However the evidence of pathogenicity is insufficient at this time. Therefore, this variant is classified as uncertain significance according to the recommendation of ACMG/AMP guideline.

Literature cited by the submitters: PubMed 33497766 (cited by Dasa); PubMed 27388694 (cited by Dasa and 3billion); PubMed 35565658 (cited by Dasa).

NM_018297.4(NGLY1):c.1168C>G (p.Arg390Gly)

Gene: NGLY1 (N-glycanase 1; minus strand). Cytogenetic location: 3p24.2.
Variant type: single nucleotide variant.
Coding change: c.1168C>G on transcript NM_018297.4 (MANE Select); coding-DNA position 1168, C replaced by G.
Protein change: p.Arg390Gly; replaces arginine 390 with glycine.
Molecular consequence: missense variant.
Genome position (GRCh38, 1-based): chr3:25,733,964, G>C on the plus strand (C>G on the coding strand, the complement: NGLY1 is on the minus strand). VCF-style: chr3-25733964-G-C. GRCh37 (hg19) VCF-style: chr3-25775455-G-C.
Other names: c.1114C>G, p.Arg372Gly (NM_001145293.2); c.1042C>G, p.Arg348Gly (NM_001145294.2); c.1168C>G, p.Arg390Gly (NM_001145295.2); short protein forms R348G, R372G, R390G.
Identifiers: ClinVar variation 1705520 (VCV001705520.3), dbSNP rs751805500, ClinGen allele CA351900199.
Genomic context (GRCh38, chr3:25,733,964, plus strand): 5'-GTAATGCTTCTTTAACCTTAGTTCTTCTGGCAATCACCTCTTCATGTTTGCAGGAATATC[G>C]CCAAGTGACATCAACTACCTGAAACAAATAACAGAATACAAATACTTAACAAGATTACAA-3'
Protein context (NP_060767.2, residues 380-400): SKDEVVDVTW[Arg390Gly]YSCKHEEVIA